The following is an entry in ClinVar:

ClinVar aggregate classification (germline): Conflicting classifications of pathogenicity. Review status: criteria provided, conflicting classifications (1 of 4 stars). 3 submissions from 3 submitters: Uncertain significance (2); Likely benign (1). Last evaluated 2026-03-19.

Conditions:
Von Hippel-Lindau syndrome (VHLS). Also called: Von Hippel-Lindau; von Hippel–Lindau syndrome; VHL syndrome. Identifiers: Orphanet 892, MedGen C0019562, MONDO:0008667, OMIM 193300. Disease mechanism: loss of function.
Chuvash polycythemia. Also called: POLYCYTHEMIA, VHL-DEPENDENT. Identifiers: Orphanet 238557, MedGen C1837915, MONDO:0009892, OMIM 263400.
Hereditary cancer-predisposing syndrome. Also called: Hereditary neoplastic syndrome; Neoplastic Syndromes, Hereditary; Tumor predisposition; Hereditary Cancer Syndrome. Identifiers: Orphanet 140162, MedGen C0027672, MeSH D009386, MONDO:0015356.

Submissions (3):

Ambry Genetics
Classification: Likely benign for Hereditary cancer-predisposing syndrome. Last evaluated: 2026-03-19. Review status: criteria provided, single submitter. Criteria: Ambry Variant Classification Scheme 2023. Collection method: clinical testing. Allele origin: germline.

Labcorp Genetics (formerly Invitae), Labcorp
Classification: Uncertain significance for Von Hippel-Lindau syndrome; Chuvash polycythemia. Last evaluated: 2026-01-25. Review status: criteria provided, single submitter. Criteria: Invitae Variant Classification Sherloc (09022015). Collection method: clinical testing. Allele origin: germline.
Comment: This sequence change replaces glutamine, which is neutral and polar, with histidine, which is basic and polar, at codon 209 of the VHL protein (p.Gln209His). This variant is not present in population databases (gnomAD no frequency). This variant has not been reported in the literature in individuals affected with VHL-related conditions. ClinVar contains an entry for this variant (Variation ID: 1052799). Invitae Evidence Modeling of protein sequence and biophysical properties (such as structural, functional, and spatial information, amino acid conservation, physicochemical variation, residue mobility, and thermodynamic stability) indicates that this missense variant is not expected to disrupt VHL protein function with a negative predictive value of 95%. In summary, the available evidence is currently insufficient to determine the role of this variant in disease. Therefore, it has been classified as a Variant of Uncertain Significance.

Genetic Services Laboratory, University of Chicago
Classification: Uncertain significance. Last evaluated: 2023-06-15. Review status: criteria provided, single submitter. Criteria: ACMG Guidelines, 2015. Collection method: clinical testing. Allele origin: germline. Affected: no.
Comment: DNA sequence analysis of the VHL gene demonstrated a sequence change, c.627A>T, in exon 3 that results in an amino acid change, p.Gln209His. This sequence change does not appear to have been previously described in individuals with VHL-related disorders and has also not been described in population databases such as ExAC and gnomAD. The p.Gln209His change affects a moderately conserved amino acid residue located in a domain of the VHL protein that is known to be functional. In-silico pathogenicity prediction tools (SIFT, PolyPhen2, Align GVGD, REVEL) provide contradictory results for the p.Gln209His substitution. Due to insufficient evidences and the lack of functional studies, the clinical significance of the p.Gln209His change remains unknown at this time.

Literature cited by the submitters: PubMed 38969834 (cited by Ambry Genetics).

NM_000551.4(VHL):c.627A>T (p.Gln209His)

Genes: VHL (von Hippel-Lindau tumor suppressor; plus strand), LOC107303340 (3p25 von Hippel-Lindau tumor suppressor, E3 ubiquitin protein ligase Alu-mediated recombination region; plus strand). Cytogenetic location: 3p25.3.
Variant type: single nucleotide variant.
Coding change: c.627A>T on transcript NM_000551.4 (MANE Select); coding-DNA position 627, A replaced by T.
Protein change: p.Gln209His; replaces glutamine 209 with histidine.
Molecular consequence: missense variant. On other transcripts: 3 prime UTR variant (1).
Genome position (GRCh38, 1-based): chr3:10,149,950, A>T. VCF-style: chr3-10149950-A-T. GRCh37 (hg19) VCF-style: chr3-10191634-A-T.
Other names: c.*181A>T (NM_001354723.2); c.504A>T, p.Gln168His (NM_198156.3); short protein forms Q168H, Q209H.
Identifiers: ClinVar variation 1052799 (VCV001052799.16), dbSNP rs758494789, ClinGen allele CA351756693.